The following is an entry in ClinVar:

ClinVar aggregate classification (germline): Conflicting classifications of pathogenicity. Review status: criteria provided, conflicting classifications (1 of 4 stars). 5 submissions from 5 submitters: Uncertain significance (3); Likely benign (2). Last evaluated 2025-10-15.

Conditions:
Hereditary cancer-predisposing syndrome. Also called: Tumor predisposition; Neoplastic Syndromes, Hereditary; Hereditary Cancer Syndrome; Hereditary neoplastic syndrome. Identifiers: Orphanet 140162, MedGen C0027672, MeSH D009386, MONDO:0015356.
Cardiovascular phenotype. Identifiers: MedGen CN230736.
Juvenile myelomonocytic leukemia (JMML). Also called: LEUKEMIA, JUVENILE MYELOMONOCYTIC, SOMATIC. Identifiers: Orphanet 86834, MedGen C0349639, MONDO:0011908, OMIM 607785, HP:0012209.
Neurofibromatosis, type 1 (NF1). Also called: Neurofibromatosis, type I; NEUROFIBROMATOSIS, TYPE I, SOMATIC; Peripheral type neurofibromatosis; VON RECKLINGHAUSEN DISEASE. Identifiers: Orphanet 636, MedGen C0027831, MONDO:0018975, OMIM 162200. Disease mechanism: loss of function.

Allele frequency attached by ClinVar (database versions not stated): gnomAD exomes below 0.00001 and 0.00003; gnomAD 0.00001.
gnomAD v4.1: 41 of 1,614,030 alleles (0.0025%); highest among the groups gnomAD compares: Non-Finnish European, 0.0034%; no homozygotes.

Submissions (5):

Labcorp Genetics (formerly Invitae), Labcorp
Classification: Likely benign for Neurofibromatosis, type 1. Last evaluated: 2025-10-15. Review status: criteria provided, single submitter. Criteria: Invitae Variant Classification Sherloc (09022015). Collection method: clinical testing. Allele origin: germline.

Ambry Genetics
Classification: Uncertain significance for Cardiovascular phenotype; Hereditary cancer-predisposing syndrome. Last evaluated: 2025-04-12. Review status: criteria provided, single submitter. Criteria: Ambry Variant Classification Scheme 2023. Collection method: clinical testing. Allele origin: germline.
Comment: The p.N151H variant (also known as c.451A>C), located in coding exon 4 of the NF1 gene, results from an A to C substitution at nucleotide position 451. The asparagine at codon 151 is replaced by histidine, an amino acid with similar properties. This amino acid position is highly conserved in available vertebrate species. In addition, the in silico prediction for this alteration is inconclusive. Since supporting evidence is limited at this time, the clinical significance of this alteration remains unclear.

GeneDx
Classification: Uncertain significance. Last evaluated: 2024-01-23. Review status: criteria provided, single submitter. Criteria: GeneDx Variant Classification Process June 2021. Collection method: clinical testing. Allele origin: germline. Affected: yes.
Comment: In silico analysis supports that this missense variant has a deleterious effect on protein structure/function; Has not been previously published as pathogenic or benign to our knowledge

Baylor Genetics
Classification: Likely benign for Juvenile myelomonocytic leukemia. Last evaluated: 2024-01-22. Review status: criteria provided, single submitter. Criteria: ACMG Guidelines, 2015. Collection method: clinical testing. Allele origin: unknown.

Genome-Nilou Lab
Classification: Uncertain significance for Neurofibromatosis, type 1. Last evaluated: 2022-03-15. Review status: criteria provided, single submitter. Criteria: ACMG Guidelines, 2015. Collection method: clinical testing. Allele origin: germline. Affected: no.

NM_001042492.3(NF1):c.451A>C (p.Asn151His)

Gene: NF1 (neurofibromin 1; plus strand). Cytogenetic location: 17q11.2.
Variant type: single nucleotide variant.
Coding change: c.451A>C on transcript NM_001042492.3 (MANE Select); coding-DNA position 451, A replaced by C.
Protein change: p.Asn151His; replaces asparagine 151 with histidine.
Molecular consequence: missense variant.
Genome position (GRCh38, 1-based): chr17:31,163,348, A>C. VCF-style: chr17-31163348-A-C. GRCh37 (hg19) VCF-style: chr17-29490366-A-C.
Other names: c.451A>C, p.Asn151His (NM_000267.4, NM_001128147.3); short protein forms N151H.
Identifiers: ClinVar variation 404534 (VCV000404534.18), dbSNP rs769391944, ClinGen allele CA16615408.